The following is an entry in ClinVar:

ClinVar aggregate classification (germline): Uncertain significance (1 of 4 stars; one submission).

Conditions:
Anauxetic dysplasia. Identifiers: Orphanet 93347, MedGen C1846796, MONDO:0011773.

Allele frequency attached by ClinVar (database versions not stated): TOPMed below 0.00001; gnomAD exomes 0.00001.

Submission:

Labcorp Genetics (formerly Invitae), Labcorp
Classification: Uncertain significance for Anauxetic dysplasia. Last evaluated: 2025-01-20. Review status: criteria provided, single submitter. Criteria: Invitae Variant Classification Sherloc (09022015). Collection method: clinical testing. Allele origin: germline.
Comment: This variant occurs in the RMRP gene, which encodes an RNA molecule that does not result in a protein product. This variant is present in population databases (no rsID available, gnomAD 0.03%). This variant has not been reported in the literature in individuals affected with RMRP-related conditions. ClinVar contains an entry for this variant (Variation ID: 2179179). Experimental studies and prediction algorithms are not available or were not evaluated, and the functional significance of this variant is currently unknown. In summary, the available evidence is currently insufficient to determine the role of this variant in disease. Therefore, it has been classified as a Variant of Uncertain Significance.

NR_003051.4(RMRP):n.86dup

Gene: RMRP (RNA component of mitochondrial RNA processing endoribonuclease; minus strand). Cytogenetic location: 9p13.3.
Variant type: Duplication.
Genome position: GRCh38 VCF-style: chr9-35657933-G-GA. GRCh37 (hg19) VCF-style: chr9-35657930-G-GA.
Identifiers: ClinVar variation 2179179 (VCV002179179.3), dbSNP rs1290503500, ClinGen allele CA587570259.